The following is an entry in ClinVar:

ClinVar aggregate classification (germline): Uncertain significance (1 of 4 stars; one submission).

Conditions:
RASopathy. Also called: rasopathies; Noonan spectrum disorder. Identifiers: Orphanet 536391, MedGen C5555857, MONDO:0021060.

Submission:

Labcorp Genetics (formerly Invitae), Labcorp
Classification: Uncertain significance for RASopathy. Last evaluated: 2021-04-29. Review status: criteria provided, single submitter. Criteria: Invitae Variant Classification Sherloc (09022015). Collection method: clinical testing. Allele origin: germline.
Comment: This sequence change replaces threonine with asparagine at codon 367 of the MAP2K2 protein (p.Thr367Asn). The threonine residue is weakly conserved and there is a small physicochemical difference between threonine and asparagine. This variant is not present in population databases (ExAC no frequency). In summary, the available evidence is currently insufficient to determine the role of this variant in disease. Therefore, it has been classified as a Variant of Uncertain Significance. Advanced modeling of protein sequence and biophysical properties (such as structural, functional, and spatial information, amino acid conservation, physicochemical variation, residue mobility, and thermodynamic stability) performed at Invitae indicates that this missense variant is not expected to disrupt MAP2K2 protein function. This variant has not been reported in the literature in individuals with MAP2K2-related conditions.

NM_030662.4(MAP2K2):c.1100C>A (p.Thr367Asn)

Gene: MAP2K2 (mitogen-activated protein kinase kinase 2; minus strand). Cytogenetic location: 19p13.3.
Variant type: single nucleotide variant.
Coding change: c.1100C>A on transcript NM_030662.4 (MANE Select); coding-DNA position 1100, C replaced by A.
Protein change: p.Thr367Asn; replaces threonine 367 with asparagine.
Molecular consequence: missense variant.
Genome position (GRCh38, 1-based): chr19:4,090,701, G>T on the plus strand (C>A on the coding strand, the complement: MAP2K2 is on the minus strand). VCF-style: chr19-4090701-G-T. GRCh37 (hg19) VCF-style: chr19-4090699-G-T.
Other names: short protein forms T367N.
Identifiers: ClinVar variation 1504208 (VCV001504208.8), dbSNP rs2145036668, ClinGen allele CA403381223.